The following is an entry in ClinVar:

NM_001363711.2(DUOX2):c.2653C>T (p.Arg885Ter)

Gene: DUOX2 (dual oxidase 2; minus strand). Cytogenetic location: 15q21.1.
Variant type: single nucleotide variant.
Coding change: c.2653C>T on transcript NM_001363711.2 (MANE Select); coding-DNA position 2653, C replaced by T.
Protein change: p.Arg885Ter; replaces arginine 885 with a stop codon.
Molecular consequence: nonsense.
Genome position (GRCh38, 1-based): chr15:45,103,961, G>A on the plus strand (C>T on the coding strand, the complement: DUOX2 is on the minus strand). VCF-style: chr15-45103961-G-A. GRCh37 (hg19) VCF-style: chr15-45396159-G-A.
Other names: c.2653C>T, p.Arg885Ter (NM_014080.5); short protein forms R885*.
Identifiers: ClinVar variation 225343 (VCV000225343.14), dbSNP rs199589510, ClinGen allele CA7538198.

ClinVar aggregate classification (germline): Pathogenic/Likely pathogenic. Review status: criteria provided, multiple submitters, no conflicts (2 of 4 stars). 3 submissions from 3 submitters: Pathogenic (2); Likely pathogenic (1). Last evaluated 2024-03-17.

Conditions:
Thyroid dyshormonogenesis 6 (TDH6). Also called: Genetic transient congenital hypothyroidism; HYPOTHYROIDISM, CONGENITAL, DUE TO DYSHORMONOGENESIS, 6; THYROID HORMONOGENESIS, GENETIC DEFECT IN, 6. Identifiers: Orphanet 226316, Orphanet 95716, MedGen C1846632, MONDO:0011792, OMIM 607200.

Allele frequency attached by ClinVar (database versions not stated): ExAC 0.00004; gnomAD 0.00004; TOPMed 0.00008; 1000 Genomes Project 30x 0.00016; 1000 Genomes Project 0.00020.
gnomAD v4.1: 44 of 1,613,974 alleles (0.0027%); highest among the groups gnomAD compares: African/African-American, 0.013%; no homozygotes.

Submissions (3):

Labcorp Genetics (formerly Invitae), Labcorp
Classification: Pathogenic. Last evaluated: 2024-03-17. Review status: criteria provided, single submitter. Criteria: Invitae Variant Classification Sherloc (09022015). Collection method: clinical testing. Allele origin: germline.
Comment: This sequence change creates a premature translational stop signal (p.Arg885*) in the DUOX2 gene. It is expected to result in an absent or disrupted protein product. Loss-of-function variants in DUOX2 are known to be pathogenic (PMID: 12110737, 18765513, 21565790, 24423310, 24735383). This variant is present in population databases (rs199589510, gnomAD 0.02%). This premature translational stop signal has been observed in individual(s) with congenital hypothyroidism (PMID: 33631011). ClinVar contains an entry for this variant (Variation ID: 225343). For these reasons, this variant has been classified as Pathogenic.

Fulgent Genetics
Classification: Pathogenic for Thyroid dyshormonogenesis 6. Last evaluated: 2024-03-04. Review status: criteria provided, single submitter. Criteria: ACMG Guidelines, 2015. Collection method: clinical testing. Allele origin: germline.

Soonchunhyang University Bucheon Hospital, Soonchunhyang University Medical Center
Classification: Likely pathogenic for Thyroid dyshormonogenesis 6. Last evaluated: 2016-03-18. Review status: criteria provided, single submitter. Criteria: ACMG Guidelines, 2015. Collection method: reference population. Allele origin: germline. Observed: 1 variant allele.

Literature cited by the submitters: PubMed 12110737 (cited by Labcorp Genetics (formerly Invitae), Labcorp and Soonchunhyang University Bucheon Hospital, Soonchunhyang University Medical Center); PubMed 18765513 (cited by Labcorp Genetics (formerly Invitae), Labcorp); PubMed 21565790 (cited by Labcorp Genetics (formerly Invitae), Labcorp); PubMed 24423310 (cited by Labcorp Genetics (formerly Invitae), Labcorp); PubMed 24735383 (cited by Labcorp Genetics (formerly Invitae), Labcorp); PubMed 33631011 (cited by Labcorp Genetics (formerly Invitae), Labcorp); PubMed 16134168 (cited by Soonchunhyang University Bucheon Hospital, Soonchunhyang University Medical Center).